The following is an entry in ClinVar:

ClinVar aggregate classification (germline): Uncertain significance (1 of 4 stars; one submission).

Conditions:
Congenital myasthenic syndrome 2A. Also called: Myasthenic syndrome, congenital, 2a, slow-channel. Identifiers: Orphanet 590, MedGen C4225374, MONDO:0014581, OMIM 616313.

Allele frequency attached by ClinVar (database versions not stated): gnomAD exomes below 0.00001 and 0.00002; ExAC 0.00001; TOPMed 0.00002.
gnomAD v4.1: 5 of 1,614,034 alleles (0.00031%); highest among the groups gnomAD compares: Admixed American, 0.0033%; no homozygotes.

Submission:

Labcorp Genetics (formerly Invitae), Labcorp
Classification: Uncertain significance for Congenital myasthenic syndrome 2A. Last evaluated: 2025-10-18. Review status: criteria provided, single submitter. Criteria: Invitae Variant Classification Sherloc (09022015). Collection method: clinical testing. Allele origin: germline.
Comment: This sequence change replaces valine, which is neutral and non-polar, with isoleucine, which is neutral and non-polar, at codon 319 of the CHRNB1 protein (p.Val319Ile). This variant is present in population databases (rs753646298, gnomAD 0.009%). This variant has not been reported in the literature in individuals affected with CHRNB1-related conditions. ClinVar contains an entry for this variant (Variation ID: 841839). Invitae Evidence Modeling of protein sequence and biophysical properties (such as structural, functional, and spatial information, amino acid conservation, physicochemical variation, residue mobility, and thermodynamic stability) indicates that this missense variant is not expected to disrupt CHRNB1 protein function with a negative predictive value of 80%. In summary, the available evidence is currently insufficient to determine the role of this variant in disease. Therefore, it has been classified as a Variant of Uncertain Significance.

NM_000747.3(CHRNB1):c.955G>A (p.Val319Ile)

Gene: CHRNB1 (cholinergic receptor nicotinic beta 1 subunit; plus strand). Cytogenetic location: 17p13.1.
Variant type: single nucleotide variant.
Coding change: c.955G>A on transcript NM_000747.3 (MANE Select); coding-DNA position 955, G replaced by A.
Protein change: p.Val319Ile; replaces valine 319 with isoleucine.
Molecular consequence: missense variant.
Genome position (GRCh38, 1-based): chr17:7,454,431, G>A. VCF-style: chr17-7454431-G-A. GRCh37 (hg19) VCF-style: chr17-7357750-G-A.
Other names: short protein forms V319I.
Identifiers: ClinVar variation 841839 (VCV000841839.8), dbSNP rs753646298, ClinGen allele CA8347921.
Genomic context (GRCh38, chr17:7,454,431, plus strand): 5'-CCTGAGACCTCACTATCAGTACCCATTATTATCAAGTACCTCATGTTTACCATGGTCCTC[G>A]TCACCTTCTCAGTCATCCTTAGTGTCGTGGTTCTCAACCTGCACCACCGCTCACCCCACA-3'
Protein context (NP_000738.2, residues 309-329): IKYLMFTMVL[Val319Ile]TFSVILSVVV